The following is an entry in ClinVar:

ClinVar aggregate classification (germline): Uncertain significance. Review status: criteria provided, multiple submitters, no conflicts (2 of 4 stars). 6 submissions from 6 submitters: Uncertain significance (6). Last evaluated 2025-12-20.

Conditions:
Tuberous sclerosis syndrome (TSC). Also called: Tuberous Sclerosis Complex; Tuberous sclerosis. Identifiers: Orphanet 805, MedGen C0041341, MONDO:0001734.
Hereditary cancer-predisposing syndrome. Also called: Tumor predisposition; Hereditary Cancer Syndrome; Hereditary neoplastic syndrome; Neoplastic Syndromes, Hereditary. Identifiers: Orphanet 140162, MedGen C0027672, MeSH D009386, MONDO:0015356.
Tuberous sclerosis 2 (TSC2). Identifiers: Orphanet 805, MedGen C1860707, MONDO:0013199, OMIM 613254.

Submissions (6):

Labcorp Genetics (formerly Invitae), Labcorp
Classification: Uncertain significance for Tuberous sclerosis 2. Last evaluated: 2025-12-20. Review status: criteria provided, single submitter. Criteria: Invitae Variant Classification Sherloc (09022015). Collection method: clinical testing. Allele origin: germline.
Comment: This sequence change falls in intron 25 of the TSC2 gene. It does not directly change the encoded amino acid sequence of the TSC2 protein. It affects a nucleotide within the consensus splice site. This variant is not present in population databases (gnomAD no frequency). This variant has not been reported in the literature in individuals affected with TSC2-related conditions. ClinVar contains an entry for this variant (Variation ID: 424000). Variants that disrupt the consensus splice site are a relatively common cause of aberrant splicing (PMID: 17576681, 9536098). Algorithms developed to predict the effect of sequence changes on RNA splicing suggest that this variant is not likely to affect RNA splicing. In summary, the available evidence is currently insufficient to determine the role of this variant in disease. Therefore, it has been classified as a Variant of Uncertain Significance.

Color Diagnostics, LLC DBA Color Health
Classification: Uncertain significance for Tuberous sclerosis syndrome. Last evaluated: 2025-06-30. Review status: criteria provided, single submitter. Criteria: ACMG Guidelines, 2015. Collection method: clinical testing. Allele origin: germline.
Comment: This variant causes a T to G nucleotide substitution at the -3 position of intron 25 of the TSC2 gene. To our knowledge, functional studies have not been reported for this variant. This variant has not been reported in individuals affected with TSC2-related disorders in the literature. This variant has not been identified in the general population by the Genome Aggregation Database (gnomAD). The available evidence is insufficient to determine the role of this variant in disease conclusively. Therefore, this variant is classified as a Variant of Uncertain Significance.

Ambry Genetics
Classification: Uncertain significance for Hereditary cancer-predisposing syndrome. Last evaluated: 2024-08-19. Review status: criteria provided, single submitter. Criteria: Ambry Variant Classification Scheme 2023. Collection method: clinical testing. Allele origin: germline.
Comment: The c.2838-3T>G intronic variant results from a T to G substitution 3 nucleotides upstream from coding exon 25 in the TSC2 gene. This nucleotide position is well conserved in available vertebrate species. In silico splice site analysis for this alteration is inconclusive. However, this alteration occurs at the splice acceptor site for an exon that is absent in biologically relevant transcripts (Ekong R et al. Hum. Mutat. 2016 Apr; 37:362-70). Based on the available evidence, the clinical significance of this variant remains unclear.

Blueprint Genetics
Classification: Uncertain significance. Last evaluated: 2023-03-01. Review status: criteria provided, single submitter. Criteria: ACMG Guidelines, 2015. Collection method: clinical testing. Allele origin: germline.

Genome-Nilou Lab
Classification: Uncertain significance for Tuberous sclerosis 2. Last evaluated: 2021-11-07. Review status: criteria provided, single submitter. Criteria: ACMG Guidelines, 2015. Collection method: clinical testing. Allele origin: germline. Affected: no.

GeneDx
Classification: Uncertain significance. Last evaluated: 2017-03-10. Review status: criteria provided, single submitter. Criteria: GeneDx Variant Classification (06012015). Collection method: clinical testing. Allele origin: germline. Affected: yes.
Comment: A variant of uncertain significance has been identified in the TSC2 gene. The c.2838-3 T>G variant has not been published as a pathogenic variant, nor has it been reported as a benign variant to our knowledge. The c.2838-3 T>G variant is not observed in large population cohorts (Lek et al., 2016; 1000 Genomes Consortium et al., 2015; Exome Variant Server). An in-silico splice prediction model predicts that c.2838-3 T>G may destroy the natural acceptor site of intron 25 and lead to abnormal gene splicing. However, in the absence of RNA/functional studies, the actual effect of this sequence change in this individual is unknown. Therefore, based on the currently available information, it is unclear whether this variant is a pathogenic variant or a rare benign variant.

Literature cited by the submitters: PubMed 17576681 (cited by Labcorp Genetics (formerly Invitae), Labcorp); PubMed 9536098 (cited by Labcorp Genetics (formerly Invitae), Labcorp); PubMed 26703369 (cited by Ambry Genetics).

NM_000548.5(TSC2):c.2838-3T>G

Gene: TSC2 (TSC complex subunit 2; plus strand). Cytogenetic location: 16p13.3.
Variant type: single nucleotide variant.
Coding change: c.2838-3T>G on transcript NM_000548.5 (MANE Select); 3 bases into the intron before coding-DNA position 2838, T replaced by G.
Molecular consequence: intron variant.
Genome position (GRCh38, 1-based): chr16:2,077,595, T>G. VCF-style: chr16-2077595-T-G. GRCh37 (hg19) VCF-style: chr16-2127596-T-G.
Other names: c.2838-3T>G (NM_001114382.3); c.2837+1010T>G (NM_021055.3, NM_001370405.1, NM_001363528.2 and 2 more transcripts); c.2726+1010T>G (NM_001318827.2); c.2237+1010T>G (NM_001318831.2); c.2690+1010T>G (NM_001318829.2); c.2870+1010T>G (NM_001318832.2).
Identifiers: ClinVar variation 424000 (VCV000424000.16), dbSNP rs553942147, ClinGen allele CA16620095.
Genomic context (GRCh38, chr16:2,077,595, plus strand): 5'-TTGTTCTCCCCTTCCCGGGAGCTGGGCTCTCTGGGGCGTTGGGGCTCCTTCCTCACCCGA[T>G]AGTCTGAGGATAGCCAGACCCCCCAAACAAGGCTTGAATAACTCTCCACCCGTGAAAGAA-3'